The following is an entry in ClinVar:

ClinVar aggregate classification (germline): Uncertain significance (1 of 4 stars; one submission).

Conditions:
Anterior segment dysgenesis. Also called: Ocular anterior segment dysgenesis. Identifiers: Orphanet 88632, MedGen C1862839, MONDO:0019503, HP:0007700.
Congenital primary aphakia. Also called: Anterior segment dysgenesis 2, multiple subtypes; ANTERIOR SEGMENT DYSGENESIS 2. Identifiers: Orphanet 83461, MedGen C1853230, MONDO:0012456, OMIM 610256.

Allele frequency attached by ClinVar (database versions not stated): TOPMed below 0.00001.

Submission:

Labcorp Genetics (formerly Invitae), Labcorp
Classification: Uncertain significance for Anterior segment dysgenesis; Congenital primary aphakia. Last evaluated: 2023-08-11. Review status: criteria provided, single submitter. Criteria: Invitae Variant Classification Sherloc (09022015). Collection method: clinical testing. Allele origin: germline.
Comment: In summary, the available evidence is currently insufficient to determine the role of this variant in disease. Therefore, it has been classified as a Variant of Uncertain Significance. Advanced modeling of protein sequence and biophysical properties (such as structural, functional, and spatial information, amino acid conservation, physicochemical variation, residue mobility, and thermodynamic stability) performed at Invitae indicates that this missense variant is not expected to disrupt FOXE3 protein function. This variant has not been reported in the literature in individuals affected with FOXE3-related conditions. This variant is not present in population databases (gnomAD no frequency). This sequence change replaces proline, which is neutral and non-polar, with arginine, which is basic and polar, at codon 259 of the FOXE3 protein (p.Pro259Arg).

NM_012186.3(FOXE3):c.776C>G (p.Pro259Arg)

Genes: FOXE3 (forkhead box E3; plus strand), LINC01389 (long independently transcribed non-coding RNA 1389; minus strand). Cytogenetic location: 1p33.
Variant type: single nucleotide variant.
Coding change: c.776C>G on transcript NM_012186.3 (MANE Select); coding-DNA position 776, C replaced by G.
Protein change: p.Pro259Arg; replaces proline 259 with arginine.
Molecular consequence: missense variant.
Genome position (GRCh38, 1-based): chr1:47,417,091, C>G. VCF-style: chr1-47417091-C-G. GRCh37 (hg19) VCF-style: chr1-47882763-C-G.
Other names: short protein forms P259R.
Identifiers: ClinVar variation 2927585 (VCV002927585.3), dbSNP rs1646889398, ClinGen allele CA340250699.